The following is an entry in ClinVar:

ClinVar aggregate classification (germline): Uncertain significance. Review status: criteria provided, multiple submitters, no conflicts (2 of 4 stars). 3 submissions from 3 submitters: Uncertain significance (3). Last evaluated 2024-07-02.

Conditions:
Inborn genetic diseases. Identifiers: MedGen C0950123, MeSH D030342.
Immunodeficiency, common variable, 12 (CVID12). Also called: IMMUNODEFICIENCY, COMMON VARIABLE, 12, WITH AUTOIMMUNITY; NFKB1 DEFICIENCY. Identifiers: Orphanet 1572, Orphanet 696874, MedGen C4225277, MONDO:0014697, OMIM 616576.

Allele frequency attached by ClinVar (database versions not stated): ExAC 0.00001; gnomAD 0.00001; gnomAD exomes 0.00001; TOPMed 0.00001.
gnomAD v4.1: 18 of 1,613,998 alleles (0.0011%); highest among the groups gnomAD compares: Non-Finnish European, 0.0015%; no homozygotes.

Submissions (3):

Labcorp Genetics (formerly Invitae), Labcorp
Classification: Uncertain significance. Last evaluated: 2024-07-02. Review status: criteria provided, single submitter. Criteria: Invitae Variant Classification Sherloc (09022015). Collection method: clinical testing. Allele origin: germline.
Comment: This sequence change replaces threonine, which is neutral and polar, with proline, which is neutral and non-polar, at codon 940 of the NFKB1 protein (p.Thr940Pro). This variant is not present in population databases (gnomAD no frequency). This variant has not been reported in the literature in individuals affected with NFKB1-related conditions. ClinVar contains an entry for this variant (Variation ID: 2308562). An algorithm developed to predict the effect of missense changes on protein structure and function (PolyPhen-2) suggests that this variant is likely to be disruptive. In summary, the available evidence is currently insufficient to determine the role of this variant in disease. Therefore, it has been classified as a Variant of Uncertain Significance.

Genetics and Molecular Pathology, SA Pathology
Classification: Uncertain significance for Immunodeficiency, common variable, 12. Last evaluated: 2022-12-23. Review status: criteria provided, single submitter. Criteria: ACMG Guidelines, 2015. Collection method: clinical testing. Allele origin: germline. Inheritance: Autosomal dominant inheritance. Affected: yes.

Ambry Genetics
Classification: Uncertain significance for Inborn genetic diseases. Last evaluated: 2022-08-17. Review status: criteria provided, single submitter. Criteria: Ambry Variant Classification Scheme 2023. Collection method: clinical testing. Allele origin: germline.

NM_003998.4(NFKB1):c.2818A>C (p.Thr940Pro)

Gene: NFKB1 (nuclear factor kappa B subunit 1; plus strand). Cytogenetic location: 4q24.
Variant type: single nucleotide variant.
Coding change: c.2818A>C on transcript NM_003998.4 (MANE Select); coding-DNA position 2818, A replaced by C.
Protein change: p.Thr940Pro; replaces threonine 940 with proline.
Molecular consequence: missense variant.
Genome position (GRCh38, 1-based): chr4:102,616,502, A>C. VCF-style: chr4-102616502-A-C. GRCh37 (hg19) VCF-style: chr4-103537659-A-C.
Other names: c.2815A>C, p.Thr939Pro (NM_001165412.2, NM_001319226.2, NM_001382627.1); c.2818A>C, p.Thr940Pro (NM_001382625.1, NM_001382626.1); c.2776A>C, p.Thr926Pro (NM_001382628.1); short protein forms T926P, T940P, T939P.
Identifiers: ClinVar variation 2308562 (VCV002308562.6), dbSNP rs750315573, ClinGen allele CA3026543.
Genomic context (GRCh38, chr4:102,616,502, plus strand): 5'-CGAGACAGTGACAGTGTCTGCGACAGCGGCGTGGAGACATCCTTCCGCAAACTCAGCTTT[A>C]CCGAGTCTCTGACCAGTGGTGCCTCACTGCTAACTCTCAACAAAATGCCCCATGATTATG-3'
Protein context (NP_003989.2, residues 930-950): VETSFRKLSF[Thr940Pro]ESLTSGASLL